The following is an entry in ClinVar:

NM_000426.4(LAMA2):c.6985A>G (p.Thr2329Ala)

Gene: LAMA2 (laminin subunit alpha 2; plus strand). Cytogenetic location: 6q22.33.
Variant type: single nucleotide variant.
Coding change: c.6985A>G on transcript NM_000426.4 (MANE Select); coding-DNA position 6985, A replaced by G.
Protein change: p.Thr2329Ala; replaces threonine 2329 with alanine.
Molecular consequence: missense variant.
Genome position (GRCh38, 1-based): chr6:129,460,317, A>G. VCF-style: chr6-129460317-A-G. GRCh37 (hg19) VCF-style: chr6-129781462-A-G.
Other names: c.6985A>G, p.Thr2329Ala (NM_001079823.2); short protein forms T2329A.
Identifiers: ClinVar variation 657505 (VCV000657505.3), dbSNP rs779800997, ClinGen allele CA3994403.

ClinVar aggregate classification (germline): Uncertain significance (1 of 4 stars; one submission).

Conditions:
LAMA2-related muscular dystrophy (LAMA2-RD). Also called: Laminin alpha 2-related dystrophy. Identifiers: MedGen C5679788, MONDO:0100228.

Allele frequency attached by ClinVar (database versions not stated): ExAC 0.00001; gnomAD 0.00001; TOPMed 0.00002.
gnomAD v4.1: 5 of 1,612,064 alleles (0.00031%); highest among the groups gnomAD compares: Non-Finnish European, 0.00042%; no homozygotes.

Submission:

Labcorp Genetics (formerly Invitae), Labcorp
Classification: Uncertain significance for LAMA2-related muscular dystrophy. Last evaluated: 2022-01-14. Review status: criteria provided, single submitter. Criteria: Invitae Variant Classification Sherloc (09022015). Collection method: clinical testing. Allele origin: germline.
Comment: This sequence change replaces threonine, which is neutral and polar, with alanine, which is neutral and non-polar, at codon 2329 of the LAMA2 protein (p.Thr2329Ala). This variant is present in population databases (rs779800997, gnomAD 0.0009%). This variant has not been reported in the literature in individuals affected with LAMA2-related conditions. ClinVar contains an entry for this variant (Variation ID: 657505). Advanced modeling of protein sequence and biophysical properties (such as structural, functional, and spatial information, amino acid conservation, physicochemical variation, residue mobility, and thermodynamic stability) performed at Invitae indicates that this missense variant is not expected to disrupt LAMA2 protein function. In summary, the available evidence is currently insufficient to determine the role of this variant in disease. Therefore, it has been classified as a Variant of Uncertain Significance.